The following is an entry in ClinVar:

NM_018026.4(PACS1):c.713T>C (p.Val238Ala)

Gene: PACS1 (phosphofurin acidic cluster sorting protein 1; plus strand). Cytogenetic location: 11q13.2.
Variant type: single nucleotide variant.
Coding change: c.713T>C on transcript NM_018026.4 (MANE Select); coding-DNA position 713, T replaced by C.
Protein change: p.Val238Ala; replaces valine 238 with alanine.
Molecular consequence: missense variant.
Genome position (GRCh38, 1-based): chr11:66,216,171, T>C. VCF-style: chr11-66216171-T-C. GRCh37 (hg19) VCF-style: chr11-65983642-T-C.
Other names: short protein forms V238A.
Identifiers: ClinVar variation 3055286 (VCV003055286.2), dbSNP rs2495549678, ClinGen allele CA381347534.

ClinVar aggregate classification (germline): Uncertain significance (0 of 4 stars; one submission).

Conditions:
PACS1-related disorder. Also called: PACS1-related condition.

Submission:

PreventionGenetics, part of Exact Sciences
Classification: Uncertain significance for PACS1-related condition. Last evaluated: 2023-10-23. Review status: no assertion criteria provided. Collection method: clinical testing. Allele origin: germline.
Comment: The PACS1 c.713T>C variant is predicted to result in the amino acid substitution p.Val238Ala. To our knowledge, this variant has not been reported in the literature or in a large population database, indicating this variant is rare. At this time, the clinical significance of this variant is uncertain due to the absence of conclusive functional and genetic evidence.